The following is an entry in ClinVar:

NM_001393986.1(PRDM2):c.2107_2109dup (p.Pro703dup)

Gene: PRDM2 (PR/SET domain 2; plus strand). Cytogenetic location: 1p36.21.
Variant type: Duplication.
Coding change: c.2107_2109dup on transcript NM_001393986.1 (MANE Select); coding-DNA positions 2107 to 2109, 3 bases duplicated (CCT; older notation c.2107_2109dupCCT).
Protein change: p.Pro703dup; duplicates proline 703.
Molecular consequence: inframe insertion. On other transcripts: intron variant (1).
Genome position (GRCh38, 1-based): chr1:13,779,902-13,779,904, CCT duplicated; duplicating any 3 consecutive bases within chr1:13,779,900-13,779,904 gives the same sequence; the c. name uses the placement nearest the transcript's 3' end. VCF-style (leftmost placement, unchanged base first): chr1-13779899-A-ACTC. GRCh37 (hg19) VCF-style: chr1-14106394-A-ACTC.
Other names: c.1504_1506dup, p.Pro502dup (NM_001007257.3, NM_001393987.1, NM_001393988.1); c.2107_2109dup, p.Pro703dup (NM_012231.5, NM_015866.6); c.511+30415_511+30417dup (NM_001135610.2).
Identifiers: ClinVar variation 979162 (VCV000979162.1), dbSNP rs2308040, ClinGen allele CA610564.

ClinVar aggregate classification (germline): Benign (1 of 4 stars; one submission).

Conditions:
Low bone mineral density.

Submission:

Broad Center for Mendelian Genomics, Broad Institute of MIT and Harvard
Classification: Benign for Low bone mineral density. Review status: criteria provided, single submitter. Criteria: ACMG Guidelines, 2015. Collection method: research. Allele origin: germline. Affected: yes.
Comment: The p.Pro703dup variant in PRDM2 has been reported in at least 1 individual in association with bone mineral density (PMID: 15579774), but has also been identified in >69% of Latino chromosomes and 13895 homozygotes by ExAC. Furthermore, although this gene has been reported in association with low bone mineral density, it currently has limited evidence for this association. In summary, this variant meets criteria to be classified as benign.